The following is an entry in ClinVar:

ClinVar aggregate classification (germline): Uncertain significance (1 of 4 stars; one submission).

Conditions:
STING-associated vasculopathy with onset in infancy. Also called: Sting-associated vasculopathy, infantile-onset. Identifiers: Orphanet 425120, MedGen C4014722, MONDO:0014405, OMIM 615934.

Submission:

Labcorp Genetics (formerly Invitae), Labcorp
Classification: Uncertain significance for STING-associated vasculopathy with onset in infancy. Last evaluated: 2025-05-28. Review status: criteria provided, single submitter. Criteria: Invitae Variant Classification Sherloc (09022015). Collection method: clinical testing. Allele origin: germline.
Comment: This sequence change replaces arginine, which is basic and polar, with glutamine, which is neutral and polar, at codon 71 of the TMEM173 protein (p.Arg71Gln). The frequency data for this variant in the population databases is considered unreliable, as metrics indicate poor data quality at this position in the gnomAD database. This variant has not been reported in the literature in individuals affected with TMEM173-related conditions. ClinVar contains an entry for this variant (Variation ID: 934934). An algorithm developed to predict the effect of missense changes on protein structure and function (PolyPhen-2) suggests that this variant is likely to be tolerated. In summary, the available evidence is currently insufficient to determine the role of this variant in disease. Therefore, it has been classified as a Variant of Uncertain Significance.

NM_198282.4(STING1):c.212_213delinsAA (p.Arg71Gln)

Gene: STING1 (stimulator of interferon response cGAMP interactor 1; minus strand). Cytogenetic location: 5q31.2.
Variant type: Indel.
Coding change: c.212_213delinsAA on transcript NM_198282.4 (MANE Select); coding-DNA positions 212 to 213, GC replaced by AA.
Protein change: p.Arg71Gln; replaces arginine 71 with glutamine.
Molecular consequence: missense variant. On other transcripts: intron variant (1).
Genome position (GRCh38, 1-based): chr5:139,481,492-139,481,493, GC replaced by TT on the plus strand (GC replaced by AA on the coding strand, the reverse complement: STING1 is on the minus strand). VCF-style: chr5-139481492-GC-TT. GRCh37 (hg19) VCF-style: chr5-138861077-GC-TT.
Other names: c.212_213delinsAA, p.Arg71Gln (NM_001301738.2); c.-130-151_-130-150delinsAA (NM_001367258.1); short protein forms R71Q.
Identifiers: ClinVar variation 934934 (VCV000934934.10), dbSNP rs1751847315, ClinGen allele CA1139659110.